The following is an entry in ClinVar:

NM_004208.4(AIFM1):c.910A>G (p.Thr304Ala)

Genes: AIFM1 (apoptosis inducing factor mitochondria associated 1; minus strand), RAB33A (RAB33A, member RAS oncogene family; plus strand). Cytogenetic location: Xq26.1.
Variant type: single nucleotide variant.
Coding change: c.910A>G on transcript NM_004208.4 (MANE Select); coding-DNA position 910, A replaced by G.
Protein change: p.Thr304Ala; replaces threonine 304 with alanine.
Molecular consequence: missense variant. On other transcripts: non-coding transcript variant (1).
Genome position (GRCh38, 1-based): chrX:130,138,650, T>C on the plus strand (A>G on the coding strand, the complement: AIFM1 is on the minus strand). VCF-style: chrX-130138650-T-C. GRCh37 (hg19) VCF-style: chrX-129272625-T-C.
Other names: c.910A>G, p.Thr304Ala (NM_001130847.4); c.898A>G, p.Thr300Ala (NM_145812.3); short protein forms T300A, T304A.
Identifiers: ClinVar variation 3777526 (VCV003777526.1).
Genomic context (GRCh38, chrX:130,138,650, plus strand): 5'-CACCCTTTCTGCCAAGAGCACAGGCCAGTTCGCTACCAAGGAAGCCCCCACCGATAATCG[T>C]AATTGATTTGACTTCCCGTGAAATCTTCTCCAAGCTTCTAAAGTCTCCAATCTGCAGGAT-3'
Protein context (NP_004199.1, residues 294-314): EKISREVKSI[Thr304Ala]IIGGGFLGSE

ClinVar aggregate classification (germline): Uncertain significance (1 of 4 stars; one submission).

Submission:

GeneDx
Classification: Uncertain significance. Last evaluated: 2024-10-09. Review status: criteria provided, single submitter. Criteria: GeneDx Variant Classification Process June 2021. Collection method: clinical testing. Allele origin: germline. Affected: yes.
Comment: Not observed at significant frequency in large population cohorts (gnomAD); In silico analysis indicates that this missense variant does not alter protein structure/function; Has not been previously published as pathogenic or benign to our knowledge